The following is an entry in ClinVar:

NM_001199138.2(NLRC4):c.1610T>C (p.Val537Ala)

Gene: NLRC4 (NLR family CARD domain containing 4; minus strand). Cytogenetic location: 2p22.3.
Variant type: single nucleotide variant.
Coding change: c.1610T>C on transcript NM_001199138.2 (MANE Select); coding-DNA position 1610, T replaced by C.
Protein change: p.Val537Ala; replaces valine 537 with alanine.
Molecular consequence: missense variant. On other transcripts: intron variant (1).
Genome position (GRCh38, 1-based): chr2:32,250,254, A>G on the plus strand (T>C on the coding strand, the complement: NLRC4 is on the minus strand). VCF-style: chr2-32250254-A-G. GRCh37 (hg19) VCF-style: chr2-32475323-A-G.
Other names: c.1610T>C, p.Val537Ala (NM_001199139.2, NM_021209.5); c.262+2165T>C (NM_001302504.1); short protein forms V537A.
Identifiers: ClinVar variation 2937794 (VCV002937794.4), dbSNP rs2148942087, ClinGen allele CA346512095.

ClinVar aggregate classification (germline): Uncertain significance. Review status: criteria provided, multiple submitters, no conflicts (2 of 4 stars). 2 submissions from 2 submitters: Uncertain significance (2). Last evaluated 2025-03-03.

Conditions:
Periodic fever-infantile enterocolitis-autoinflammatory syndrome. Also called: Autoinflammation with infantile enterocolitis. Identifiers: Orphanet 436166, MedGen C4015067, MONDO:0014472, OMIM 616050.
Familial cold autoinflammatory syndrome 4 (FCAS4). Identifiers: Orphanet 47045, Orphanet 576349, MedGen C4015276, MONDO:0014498, OMIM 616115.
Inborn genetic diseases. Identifiers: MedGen C0950123, MeSH D030342.

Submissions (2):

Ambry Genetics
Classification: Uncertain significance for Inborn genetic diseases. Last evaluated: 2025-03-03. Review status: criteria provided, single submitter. Criteria: Ambry Variant Classification Scheme 2023. Collection method: clinical testing. Allele origin: germline.

Labcorp Genetics (formerly Invitae), Labcorp
Classification: Uncertain significance for Periodic fever-infantile enterocolitis-autoinflammatory syndrome; Familial cold autoinflammatory syndrome 4. Last evaluated: 2023-03-27. Review status: criteria provided, single submitter. Criteria: Invitae Variant Classification Sherloc (09022015). Collection method: clinical testing. Allele origin: germline.
Comment: This variant has not been reported in the literature in individuals affected with NLRC4-related conditions. In summary, the available evidence is currently insufficient to determine the role of this variant in disease. Therefore, it has been classified as a Variant of Uncertain Significance. Advanced modeling of protein sequence and biophysical properties (such as structural, functional, and spatial information, amino acid conservation, physicochemical variation, residue mobility, and thermodynamic stability) performed at Invitae indicates that this missense variant is not expected to disrupt NLRC4 protein function. This variant is not present in population databases (gnomAD no frequency). This sequence change replaces valine, which is neutral and non-polar, with alanine, which is neutral and non-polar, at codon 537 of the NLRC4 protein (p.Val537Ala).